The following is an entry in ClinVar:

NM_000051.4(ATM):c.2917del (p.Leu973fs)

Gene: ATM (ATM serine/threonine kinase; plus strand). Cytogenetic location: 11q22.3.
Variant type: Deletion.
Coding change: c.2917del on transcript NM_000051.4 (MANE Select); coding-DNA position 2917, one base deleted (C; older notation c.2917delC).
Protein change: p.Leu973fs; shifts the reading frame from leucine 973.
Molecular consequence: frameshift variant.
Genome position (GRCh38, 1-based): chr11:108,271,142, C deleted. VCF-style (leftmost placement, unchanged base first): chr11-108271141-AC-A. GRCh37 (hg19) VCF-style: chr11-108141868-AC-A.
Other names: c.2917del, p.Leu973fs (NM_001351834.2); short protein forms L973fs.
Identifiers: ClinVar variation 1999182 (VCV001999182.4), dbSNP rs2497679773, ClinGen allele CA2580083208.

ClinVar aggregate classification (germline): Pathogenic (1 of 4 stars; one submission).

Conditions:
Ataxia-telangiectasia syndrome (AT). Also called: Ataxia-telangiectasia, complementation group E; Ataxia-telangiectasia; ATAXIA-TELANGIECTASIA, COMPLEMENTATION GROUP A; Ataxia-telangiectasia, complementation group D; Ataxia telangiectasia (A-T); LOUIS-BAR SYNDROME. Identifiers: Orphanet 100, MedGen C0004135, MONDO:0008840, OMIM 208900.

Submission:

Labcorp Genetics (formerly Invitae), Labcorp
Classification: Pathogenic for Ataxia-telangiectasia syndrome. Last evaluated: 2022-05-26. Review status: criteria provided, single submitter. Criteria: Invitae Variant Classification Sherloc (09022015). Collection method: clinical testing. Allele origin: germline.
Comment: For these reasons, this variant has been classified as Pathogenic. This variant has not been reported in the literature in individuals affected with ATM-related conditions. This variant is not present in population databases (gnomAD no frequency). This sequence change creates a premature translational stop signal (p.Leu973Tyrfs*19) in the ATM gene. It is expected to result in an absent or disrupted protein product. Loss-of-function variants in ATM are known to be pathogenic (PMID: 23807571, 25614872).

Literature cited by the submitters: PubMed 23807571; PubMed 25614872.